The following is an entry in ClinVar:

NM_139215.3(TAF15):c.1380_1403dup (p.Gly485_Tyr486insGlyTyrGlyGlyAspArgGlyGly)

Gene: TAF15 (TATA-box binding protein associated factor 15; plus strand). Cytogenetic location: 17q12.
Variant type: Duplication.
Coding change: c.1380_1403dup on transcript NM_139215.3 (MANE Select); coding-DNA positions 1380 to 1403, 24 bases duplicated (CGGCGGCTATGGTGGGGACAGAGG).
Protein change: p.Gly485_Tyr486insGlyTyrGlyGlyAspArgGlyGly.
Molecular consequence: inframe insertion.
Genome position (GRCh38, 1-based): chr17:35,844,679-35,844,702, CGGCGGCTATGGTGGGGACAGAGG duplicated; duplicating any 24 consecutive bases within chr17:35,844,659-35,844,702 gives the same sequence; the c. name uses the placement nearest the transcript's 3' end. VCF-style (leftmost placement, unchanged base first): chr17-35844658-T-TGGCTATGGTGGGGACAGAGGCGGC. GRCh37 (hg19) VCF-style: chr17-34171662-T-TGGCTATGGTGGGGACAGAGGCGGC.
Other names: c.1371_1394dup, p.Gly482_Tyr483insGlyTyrGlyGlyAspArgGlyGly (NM_003487.4).
Identifiers: ClinVar variation 3352319 (VCV003352319.1).

ClinVar aggregate classification (germline): Uncertain significance (0 of 4 stars; one submission).

Conditions:
TAF15-related disorder. Also called: TAF15-related condition.

Submission:

PreventionGenetics, part of Exact Sciences
Classification: Uncertain significance for TAF15-related condition. Last evaluated: 2024-08-08. Review status: no assertion criteria provided. Collection method: clinical testing. Allele origin: germline.
Comment: The TAF15 c.1380_1403dup24 variant is predicted to result in an in-frame duplication (p.Gly478_Gly485dup). To our knowledge, this variant has not been reported in the literature. This variant is reported in 0.024% of alleles in individuals of Latino descent in gnomAD, which may be too frequent to be a primary cause of disease. Although we suspect that this variant may be benign, the clinical significance of this variant is uncertain due to the absence of conclusive functional and genetic evidence.